The following is an entry in ClinVar:

NM_006904.7(PRKDC):c.5200C>T (p.Pro1734Ser)

Gene: PRKDC (protein kinase, DNA-activated, catalytic subunit; minus strand). Cytogenetic location: 8q11.21.
Variant type: single nucleotide variant.
Coding change: c.5200C>T on transcript NM_006904.7 (MANE Select); coding-DNA position 5200, C replaced by T.
Protein change: p.Pro1734Ser; replaces proline 1734 with serine.
Molecular consequence: missense variant.
Genome position (GRCh38, 1-based): chr8:47,879,526, G>A on the plus strand (C>T on the coding strand, the complement: PRKDC is on the minus strand). VCF-style: chr8-47879526-G-A. GRCh37 (hg19) VCF-style: chr8-48792087-G-A.
Other names: c.5200C>T, p.Pro1734Ser (NM_001081640.2); short protein forms P1734S.
Identifiers: ClinVar variation 1746038 (VCV001746038.2), dbSNP rs2551872236, ClinGen allele CA371138330.

ClinVar aggregate classification (germline): Uncertain significance (1 of 4 stars; one submission).

Submission:

Ambry Genetics
Classification: Uncertain significance. Last evaluated: 2021-06-30. Review status: criteria provided, single submitter. Criteria: Ambry Variant Classification Scheme 2023. Collection method: clinical testing. Allele origin: germline.
Comment: The p.P1734S variant (also known as c.5200C>T), located in coding exon 39 of the PRKDC gene, results from a C to T substitution at nucleotide position 5200. The proline at codon 1734 is replaced by serine, an amino acid with similar properties. This amino acid position is conserved. In addition, this alteration is predicted to be tolerated by in silico analysis. Since supporting evidence is limited at this time, the clinical significance of this alteration remains unclear.